The following is an entry in ClinVar:

NM_018684.4(ZC4H2):c.335G>A (p.Arg112His)

Gene: ZC4H2 (zinc finger C4H2-type containing; minus strand). Cytogenetic location: Xq11.2.
Variant type: single nucleotide variant.
Coding change: c.335G>A on transcript NM_018684.4 (MANE Select); coding-DNA position 335, G replaced by A.
Protein change: p.Arg112His; replaces arginine 112 with histidine.
Molecular consequence: missense variant. On other transcripts: non-coding transcript variant (1).
Genome position (GRCh38, 1-based): chrX:64,920,144, C>T on the plus strand (G>A on the coding strand, the complement: ZC4H2 is on the minus strand). VCF-style: chrX-64920144-C-T. GRCh37 (hg19) VCF-style: chrX-64140024-C-T.
Other names: c.266G>A, p.Arg89His (NM_001178032.3, NM_001243804.2); c.335G>A, p.Arg112His (NM_001178033.3); short protein forms R112H, R89H.
Identifiers: ClinVar variation 1371687 (VCV001371687.6), dbSNP rs958668037, ClinGen allele CA330474413.

ClinVar aggregate classification (germline): Uncertain significance (1 of 4 stars; one submission).

Allele frequency attached by ClinVar (database versions not stated): TOPMed 0.00001; gnomAD exomes 0.00001.

Submission:

Labcorp Genetics (formerly Invitae), Labcorp
Classification: Uncertain significance. Last evaluated: 2021-10-27. Review status: criteria provided, single submitter. Criteria: Invitae Variant Classification Sherloc (09022015). Collection method: clinical testing. Allele origin: germline.
Comment: In summary, the available evidence is currently insufficient to determine the role of this variant in disease. Therefore, it has been classified as a Variant of Uncertain Significance. Algorithms developed to predict the effect of missense changes on protein structure and function are either unavailable or do not agree on the potential impact of this missense change (SIFT: "Tolerated"; PolyPhen-2: "Possibly Damaging"; Align-GVGD: "Class C0"). This variant has not been reported in the literature in individuals affected with ZC4H2-related conditions. This variant is not present in population databases (gnomAD no frequency). This sequence change replaces arginine, a(n) basic and polar amino acid, with histidine, a(n) basic and polar amino acid, at codon 112 of the ZC4H2 protein (p.Arg112His).